The following is an entry in ClinVar:

NM_000808.4(GABRA3):c.933T>C (p.Gly311=)

Gene: GABRA3 (gamma-aminobutyric acid type A receptor subunit alpha3; minus strand). Cytogenetic location: Xq28.
Variant type: single nucleotide variant.
Coding change: c.933T>C on transcript NM_000808.4 (MANE Select); coding-DNA position 933, T replaced by C.
Protein change: p.Gly311=; no amino-acid change (glycine 311 retained).
Molecular consequence: synonymous variant.
Genome position (GRCh38, 1-based): chrX:152,189,940, A>G on the plus strand (T>C on the coding strand, the complement: GABRA3 is on the minus strand). VCF-style: chrX-152189940-A-G. GRCh37 (hg19) VCF-style: chrX-151358412-A-G.
Identifiers: ClinVar variation 5020597 (VCV005020597.1).

ClinVar aggregate classification (germline): Uncertain significance (1 of 4 stars; one submission).

Submission:

Dasa
Classification: Uncertain significance. Last evaluated: 2026-05-08. Review status: criteria provided, single submitter. Criteria: DASA Assertion Criteria. Collection method: clinical testing. Allele origin: germline.
Comment: NM_000808.4(GABRA3):c.933T>C (p.Gly311=) is a synonymous variant predicted not to alter the encoded amino acid sequence. This variant is rare in population databases. The currently available literature and clinical evidence are not sufficient to establish a definitive association between this variant and the reported condition. Therefore, this variant is classified as a variant of uncertain significance.